The following is an entry in ClinVar:

NM_000352.6(ABCC8):c.673C>A (p.Leu225Met)

Gene: ABCC8 (ATP binding cassette subfamily C member 8; minus strand). Cytogenetic location: 11p15.1.
Variant type: single nucleotide variant.
Coding change: c.673C>A on transcript NM_000352.6 (MANE Select); coding-DNA position 673, C replaced by A.
Protein change: p.Leu225Met; replaces leucine 225 with methionine.
Molecular consequence: missense variant. On other transcripts: non-coding transcript variant (1).
Genome position (GRCh38, 1-based): chr11:17,461,732, G>T on the plus strand (C>A on the coding strand, the complement: ABCC8 is on the minus strand). VCF-style: chr11-17461732-G-T. GRCh37 (hg19) VCF-style: chr11-17483279-G-T.
Other names: c.673C>A, p.Leu225Met (NM_001287174.3, NM_001351295.2, NM_001351296.2 and 1 more transcripts); short protein forms L225M.
Identifiers: ClinVar variation 4535767 (VCV004535767.1).

ClinVar aggregate classification (germline): Uncertain significance (1 of 4 stars; one submission).

Submission:

Women's Health and Genetics/Laboratory Corporation of America, LabCorp
Classification: Uncertain significance. Last evaluated: 2025-09-04. Review status: criteria provided, single submitter. Criteria: LabCorp Variant Classification Summary - May 2015. Collection method: clinical testing. Allele origin: germline.
Comment: Variant summary: ABCC8 c.673C>A (p.Leu225Met) results in a conservative amino acid change in the encoded protein sequence. Algorithms developed to predict the effect of missense changes on protein structure and function are either unavailable or do not agree on the potential impact of this missense change. The variant was absent in 251496 control chromosomes in the gnomAD database. The available data on variant occurrences in the general population are insufficient to allow any conclusion about variant significance. To our knowledge, no occurrence of c.673C>A in individuals affected with ABCC8-related conditions and no experimental evidence demonstrating its impact on protein function have been reported. However, a different missense affecting the same amino acid (c.674T>C, p.Leu225Pro) has been classified as pathogenic by our lab, suggesting a functional importance of this residue. No submitters have cited clinical-significance assessments for this variant to ClinVar. Based on the evidence outlined above, the variant was classified as uncertain significance.